The following is an entry in ClinVar:

NM_004259.7(RECQL5):c.305C>T (p.Ser102Leu)

Gene: RECQL5 (RecQ like helicase 5; minus strand). Cytogenetic location: 17q25.1.
Variant type: single nucleotide variant.
Coding change: c.305C>T on transcript NM_004259.7 (MANE Select); coding-DNA position 305, C replaced by T.
Protein change: p.Ser102Leu; replaces serine 102 with leucine.
Molecular consequence: missense variant.
Genome position (GRCh38, 1-based): chr17:75,662,945, G>A on the plus strand (C>T on the coding strand, the complement: RECQL5 is on the minus strand). VCF-style: chr17-75662945-G-A. GRCh37 (hg19) VCF-style: chr17-73659025-G-A.
Other names: c.305C>T, p.Ser102Leu (NM_001003715.4, NM_001003716.4); short protein forms S102L.
Identifiers: ClinVar variation 4978887 (VCV004978887.1).

ClinVar aggregate classification (germline): Uncertain significance (1 of 4 stars; one submission).

Conditions:
RECQL5-related disorder. Also called: RECQL5-related condition.

gnomAD v4.1: 65 of 1,613,764 alleles (0.004%); highest among the groups gnomAD compares: Admixed American, 0.02%; no homozygotes.

Submission:

PreventionGenetics, part of Exact Sciences
Classification: Uncertain significance for RECQL5-related condition. Last evaluated: 2025-04-10. Review status: criteria provided, single submitter. Criteria: ACMG Guidelines, 2015. Collection method: clinical testing. Allele origin: germline.
Comment: The RECQL5 c.305C>T variant is predicted to result in the amino acid substitution p.Ser102Leu. To our knowledge, this variant has not been reported in the literature. This variant is reported in 0.0085% of alleles in individuals of Latino descent in gnomAD and has not been reported in ClinVar. At this time, the clinical significance of this variant is uncertain due to the absence of conclusive functional and genetic evidence.